The following is an entry in ClinVar:

ClinVar aggregate classification (germline): Conflicting classifications of pathogenicity. Review status: criteria provided, conflicting classifications (1 of 4 stars). 4 submissions from 4 submitters: Uncertain significance (3); Likely benign (1). Last evaluated 2026-08-03.

Conditions:
Cardiovascular phenotype. Identifiers: MedGen CN230736.
Hypertrophic cardiomyopathy 26. Also called: Cardiomyopathy, familial hypertrophic, 26. Identifiers: Orphanet 75249, MedGen C4310749, MONDO:0014883, OMIM 617047.
Myofibrillar myopathy 5. Also called: Filaminopathy (type); FILAMINOPATHY, AUTOSOMAL DOMINANT. Identifiers: Orphanet 171445, MedGen C1836050, MONDO:0012289, OMIM 609524.
Distal myopathy with posterior leg and anterior hand involvement. Also called: WILLIAMS DISTAL MYOPATHY. Identifiers: Orphanet 63273, MedGen C3279722, MONDO:0013550, OMIM 614065.

Allele frequency attached by ClinVar (database versions not stated): gnomAD exomes 0.00003 and 0.00004; ExAC 0.00005; 1000 Genomes Project 30x 0.00016; 1000 Genomes Project 0.00020.

Submissions (4):

Ambry Genetics
Classification: Uncertain significance for Cardiovascular phenotype. Last evaluated: 2026-08-03. Review status: criteria provided, single submitter. Criteria: Ambry Variant Classification Scheme 2023. Collection method: clinical testing. Allele origin: germline.
Comment: The p.R1278K variant (also known as c.3833G>A), located in coding exon 22 of the FLNC gene, results from a G to A substitution at nucleotide position 3833. The arginine at codon 1278 is replaced by lysine, an amino acid with highly similar properties. This amino acid position is highly conserved in available vertebrate species. In addition, the in silico prediction for this alteration is inconclusive. Based on the available evidence, the clinical significance of this variant remains unclear.

Labcorp Genetics (formerly Invitae), Labcorp
Classification: Likely benign for Distal myopathy with posterior leg and anterior hand involvement; Myofibrillar myopathy 5; Hypertrophic cardiomyopathy 26. Last evaluated: 2025-09-21. Review status: criteria provided, single submitter. Criteria: Invitae Variant Classification Sherloc (09022015). Collection method: clinical testing. Allele origin: germline.

GeneDx
Classification: Uncertain significance. Last evaluated: 2019-06-19. Review status: criteria provided, single submitter. Criteria: GeneDx Variant Classification Process June 2021. Collection method: clinical testing. Allele origin: germline. Affected: yes.
Comment: Has not been previously published as pathogenic or benign to our knowledge; In silico analysis, which includes protein predictors and evolutionary conservation, supports that this variant does not alter protein structure/function

Revvity Omics, Revvity
Classification: Uncertain significance. Last evaluated: 2019-01-10. Review status: criteria provided, single submitter. Criteria: ACMG Guidelines, 2015. Collection method: clinical testing. Allele origin: germline.

NM_001458.5(FLNC):c.3833G>A (p.Arg1278Lys)

Gene: FLNC (filamin C; plus strand). Cytogenetic location: 7q32.1.
Variant type: single nucleotide variant.
Coding change: c.3833G>A on transcript NM_001458.5 (MANE Select); coding-DNA position 3833, G replaced by A.
Protein change: p.Arg1278Lys; replaces arginine 1278 with lysine.
Molecular consequence: missense variant.
Genome position (GRCh38, 1-based): chr7:128,846,032, G>A. VCF-style: chr7-128846032-G-A. GRCh37 (hg19) VCF-style: chr7-128486086-G-A.
Other names: c.3833G>A, p.Arg1278Lys (NM_001127487.2); short protein forms R1278K.
Identifiers: ClinVar variation 539360 (VCV000539360.13), dbSNP rs540117605, ClinGen allele CA4475151.